The following is an entry in ClinVar:

ClinVar aggregate classification (germline): Likely pathogenic (1 of 4 stars; one submission).

Conditions:
Clark-Baraitser syndrome. Also called: BARAITSER SYNDROME; Mental retardation, tall stature, obesity, macrocephaly and typical facial features; Intellectual disability, autosomal dominant 49; MENTAL RETARDATION, AUTOSOMAL DOMINANT 49. Identifiers: Orphanet 600731, MedGen C2931130, MONDO:0030914, OMIM 617752.

Submission:

Institute of Human Genetics, FAU Erlangen, Friedrich-Alexander-Universität Erlangen-Nürnberg
Classification: Likely pathogenic for Clark-Baraitser syndrome. Last evaluated: 2023-10-25. Review status: criteria provided, single submitter. Criteria: Hauer et al. (Genet Med. 2018). Collection method: clinical testing. Allele origin: germline. Inheritance: Autosomal dominant inheritance. Affected: yes. Observed: 1 variant allele.
Comment: This variant has been identified by standard clinical testing. de novo Selected ACMG criteria: Likely pathogenic (II):PP3;PP2;PM2;PS2

NM_001348323.3(TRIP12):c.5030C>T (p.Ala1677Val)

Gene: TRIP12 (thyroid hormone receptor interactor 12; minus strand). Cytogenetic location: 2q36.3.
Variant type: single nucleotide variant.
Coding change: c.5030C>T on transcript NM_001348323.3 (MANE Select); coding-DNA position 5030, C replaced by T.
Protein change: p.Ala1677Val; replaces alanine 1677 with valine.
Molecular consequence: missense variant.
Genome position (GRCh38, 1-based): chr2:229,785,821, G>A on the plus strand (C>T on the coding strand, the complement: TRIP12 is on the minus strand). VCF-style: chr2-229785821-G-A. GRCh37 (hg19) VCF-style: chr2-230650537-G-A.
Other names: c.4949C>T, p.Ala1650Val (NM_001284214.2, NM_001348315.2); c.4904C>T, p.Ala1635Val (NM_001284215.2, NM_001348316.2); c.3995C>T, p.Ala1332Val (NM_001284216.2); c.4889C>T, p.Ala1630Val (NM_001348317.1, NM_001348318.2); c.5015C>T, p.Ala1672Val (NM_001348319.1, NM_001348320.2); c.5018C>T, p.Ala1673Val (NM_001348321.1); c.5030C>T, p.Ala1677Val (NM_001348322.1, NM_001348324.2, NM_001348325.2 and 2 more transcripts); c.5033C>T, p.Ala1678Val (NM_001348328.1, NM_001348329.2, NM_001348330.2); and 4 more; short protein forms A1332V, A1630V, A1643V, A1651V, A1678V, A1602V, A1603V, A1672V.
Identifiers: ClinVar variation 2626769 (VCV002626769.1), dbSNP rs2470804912, ClinGen allele CA350890805.
Genomic context (GRCh38, chr2:229,785,821, plus strand): 5'-TTTTCATACTGGATTTCTAACATGGCCCGTGAGCTGCCGAGGTCCTGCATCACAGACTCC[G>A]CCTGTTTCAGCAGCTCCTCTCGGTTCACAGTACGCTACAAAGAAAGTACAACTGTCAGGA-3'
Protein context (NP_001335252.1, residues 1667-1687): TVNREELLKQ[Ala1677Val]ESVMQDLGSS